The following is an entry in ClinVar:

ClinVar aggregate classification (germline): Likely benign (0 of 4 stars; one submission).

Conditions:
CRYZ-related disorder. Also called: CRYZ-related condition.

Allele frequency attached by ClinVar (database versions not stated): 1000 Genomes Project 30x 0.00016; ExAC 0.00017; 1000 Genomes Project 0.00020; TOPMed 0.00023; gnomAD 0.00024; gnomAD exomes 0.00045; ESP Exome Variant Server 0.00069.
gnomAD v4.1: 682 of 1,611,260 alleles (0.042%); highest among the groups gnomAD compares: Non-Finnish European, 0.056%; no homozygotes.

Submission:

PreventionGenetics, part of Exact Sciences
Classification: Likely benign for CRYZ-related condition. Last evaluated: 2022-08-21. Review status: no assertion criteria provided. Collection method: clinical testing. Allele origin: germline.
Comment: This variant is classified as likely benign based on ACMG/AMP sequence variant interpretation guidelines (Richards et al. 2015 PMID: 25741868, with internal and published modifications).

NM_001889.4(CRYZ):c.867A>C (p.Gly289=)

Gene: CRYZ (crystallin zeta; minus strand). Cytogenetic location: 1p31.1.
Variant type: single nucleotide variant.
Coding change: c.867A>C on transcript NM_001889.4 (MANE Select); coding-DNA position 867, A replaced by C.
Protein change: p.Gly289=; no amino-acid change (glycine 289 retained).
Molecular consequence: synonymous variant.
Genome position (GRCh38, 1-based): chr1:74,706,419, T>G on the plus strand (A>C on the coding strand, the complement: CRYZ is on the minus strand). VCF-style: chr1-74706419-T-G. GRCh37 (hg19) VCF-style: chr1-75172103-T-G.
Other names: c.867A>C, p.Gly289= (NM_001130042.2); c.765A>C, p.Gly255= (NM_001130043.2); c.456A>C, p.Gly152= (NM_001134759.2).
Identifiers: ClinVar variation 3039758 (VCV003039758.2), dbSNP rs140284673, ClinGen allele CA911181.